The following is an entry in ClinVar:

NM_001040616.3(LINS1):c.1632C>T (p.Asn544=)

Gene: LINS1 (lines homolog 1; minus strand). Cytogenetic location: 15q26.3.
Variant type: single nucleotide variant.
Coding change: c.1632C>T on transcript NM_001040616.3 (MANE Select); coding-DNA position 1632, C replaced by T.
Protein change: p.Asn544=; no amino-acid change (asparagine 544 retained).
Molecular consequence: synonymous variant. On other transcripts: non-coding transcript variant (3).
Genome position (GRCh38, 1-based): chr15:100,569,880, G>A on the plus strand (C>T on the coding strand, the complement: LINS1 is on the minus strand). VCF-style: chr15-100569880-G-A. GRCh37 (hg19) VCF-style: chr15-101110085-G-A.
Other names: c.885C>T, p.Asn295= (NM_001352507.2); c.1479C>T, p.Asn493= (NM_001352508.2).
Identifiers: ClinVar variation 211381 (VCV000211381.27), dbSNP rs772619184, ClinGen allele CA208263.

ClinVar aggregate classification (germline): Conflicting classifications of pathogenicity. Review status: criteria provided, conflicting classifications (1 of 4 stars). 2 submissions from 2 submitters: Uncertain significance (1); Likely benign (1). Last evaluated 2024-03-01.

Allele frequency attached by ClinVar (database versions not stated): gnomAD below 0.00001 and 0.00001; TOPMed 0.00001; gnomAD exomes 0.00011; ExAC 0.00013.
gnomAD v4.1: 72 of 1,613,456 alleles (0.0045%); highest among the groups gnomAD compares: South Asian, 0.07%; 1 homozygote.

Submissions (2):

CeGaT Center for Human Genetics Tuebingen
Classification: Likely benign. Last evaluated: 2024-03-01. Review status: criteria provided, single submitter. Criteria: CeGaT Center For Human Genetics Tuebingen Variant Classification Criteria Version 2. Collection method: clinical testing. Allele origin: germline. Affected: yes. Observed: 1 variant allele.
Comment: LINS1: BP4, BP7

Genetic Services Laboratory, University of Chicago
Classification: Uncertain significance. Last evaluated: 2014-10-10. Review status: criteria provided, single submitter. Criteria: ACMG Guidelines, 2015. Collection method: clinical testing. Allele origin: germline.